The following is an entry in ClinVar:

ClinVar aggregate classification (germline): Conflicting classifications of pathogenicity. Review status: criteria provided, conflicting classifications (1 of 4 stars). 3 submissions from 3 submitters: Uncertain significance (2); Benign (1). Last evaluated 2025-01-19.

Conditions:
Kabuki syndrome. Also called: NIIKAWA-KUROKI SYNDROME; Kabuki make-up syndrome. Identifiers: Orphanet 2322, MedGen C0796004, MONDO:0016512.
Kabuki syndrome 1 (KABUK1). Also called: KMT2D-Related Kabuki Syndrome. Identifiers: Orphanet 2322, MedGen CN030661, MONDO:0007843, OMIM 147920.

Allele frequency attached by ClinVar (database versions not stated): gnomAD exomes 0.00001.
gnomAD v4.1: 1 of 1,519,054 alleles (0.000066%); highest among the groups gnomAD compares: Admixed American, 0.0022%; no homozygotes.

Submissions (3):

Labcorp Genetics (formerly Invitae), Labcorp
Classification: Benign for Kabuki syndrome. Last evaluated: 2025-01-19. Review status: criteria provided, single submitter. Criteria: Invitae Variant Classification Sherloc (09022015). Collection method: clinical testing. Allele origin: germline.

GeneDx
Classification: Uncertain significance. Last evaluated: 2022-11-07. Review status: criteria provided, single submitter. Criteria: GeneDx Variant Classification Process June 2021. Collection method: clinical testing. Allele origin: germline. Affected: yes.
Comment: In silico analysis supports that this missense variant does not alter protein structure/function; Has not been previously published as pathogenic or benign to our knowledge

Baylor Genetics
Classification: Uncertain significance for Kabuki syndrome 1. Last evaluated: 2018-03-22. Review status: criteria provided, single submitter. Criteria: ACMG Guidelines, 2015. Collection method: clinical testing. Allele origin: maternal. Affected: yes.
Comment: This variant was determined to be of uncertain significance according to ACMG Guidelines, 2015 [PMID:25741868].

NM_003482.4(KMT2D):c.2530C>A (p.Pro844Thr)

Gene: KMT2D (lysine methyltransferase 2D; minus strand). Cytogenetic location: 12q13.12.
Variant type: single nucleotide variant.
Coding change: c.2530C>A on transcript NM_003482.4 (MANE Select); coding-DNA position 2530, C replaced by A.
Protein change: p.Pro844Thr; replaces proline 844 with threonine.
Molecular consequence: missense variant.
Genome position (GRCh38, 1-based): chr12:49,051,153, G>T on the plus strand (C>A on the coding strand, the complement: KMT2D is on the minus strand). VCF-style: chr12-49051153-G-T. GRCh37 (hg19) VCF-style: chr12-49444936-G-T.
Other names: short protein forms P844T.
Identifiers: ClinVar variation 1033588 (VCV001033588.4), dbSNP rs1196290590, ClinGen allele CA384665610.